The following is an entry in ClinVar:

NM_001256789.3(CACNA1F):c.2881C>T (p.Arg961Ter)

Gene: CACNA1F (calcium voltage-gated channel subunit alpha1 F; minus strand). Cytogenetic location: Xp11.23.
Variant type: single nucleotide variant.
Coding change: c.2881C>T on transcript NM_001256789.3 (MANE Select); coding-DNA position 2881, C replaced by T.
Protein change: p.Arg961Ter; replaces arginine 961 with a stop codon.
Molecular consequence: nonsense.
Genome position (GRCh38, 1-based): chrX:49,218,502, G>A on the plus strand (C>T on the coding strand, the complement: CACNA1F is on the minus strand). VCF-style: chrX-49218502-G-A. GRCh37 (hg19) VCF-style: chrX-49074961-G-A.
Other names: c.2719C>T, p.Arg907Ter (NM_001256790.3); c.2914C>T, p.Arg972Ter (NM_005183.4); short protein forms R961*, R972*, R907*.
Identifiers: ClinVar variation 866571 (VCV000866571.13), dbSNP rs2065740868, ClinGen allele CA412964666.

ClinVar aggregate classification (germline): Pathogenic. Review status: criteria provided, multiple submitters, no conflicts (2 of 4 stars). 3 submissions from 3 submitters: Pathogenic (3). Last evaluated 2025-07-28.

Conditions:
Congenital stationary night blindness 2A (CSNB2A). Also called: NIGHT BLINDNESS, CONGENITAL STATIONARY, TYPE 2; CSNB, INCOMPLETE, X-LINKED; Night blindness, congenital stationary (incomplete), 2A, X-linked; CACNA1F-Related X-Linked Congenital Stationary Night Blindness. Identifiers: Orphanet 215, MedGen C1848172, MONDO:0010241, OMIM 300071.
CACNA1F-related disorder. Also called: CACNA1F-related condition.

gnomAD v4.1: 1 of 1,187,647 alleles (0.000084%); no homozygotes.

Submissions (3):

Labcorp Genetics (formerly Invitae), Labcorp
Classification: Pathogenic. Last evaluated: 2025-07-28. Review status: criteria provided, single submitter. Criteria: Invitae Variant Classification Sherloc (09022015). Collection method: clinical testing. Allele origin: germline.
Comment: This sequence change creates a premature translational stop signal (p.Arg972*) in the CACNA1F gene. It is expected to result in an absent or disrupted protein product. Loss-of-function variants in CACNA1F are known to be pathogenic (PMID: 9662399, 11281458, 17525176, 22194652, 24124559, 26992781). This variant is not present in population databases (gnomAD no frequency). This premature translational stop signal has been observed in individual(s) with X-linked congenital stationary night blindness (PMID: 12552565). This variant is also known as c.2719C>T R904X. ClinVar contains an entry for this variant (Variation ID: 866571). For these reasons, this variant has been classified as Pathogenic.

Blueprint Genetics
Classification: Pathogenic for CACNA1F-related disorders. Last evaluated: 2022-01-19. Review status: criteria provided, single submitter. Criteria: ACMG Guidelines, 2015. Collection method: clinical testing. Allele origin: germline. Affected: yes. Observed: 5 variant alleles.

Juno Genomics, Hangzhou Juno Genomics, Inc
Classification: Pathogenic for Congenital stationary night blindness 2A. Review status: criteria provided, single submitter. Criteria: ACMG Guidelines, 2015. Collection method: clinical testing. Allele origin: germline. Affected: yes.
Comment: Absent from controls (or at extremely low frequency if recessive) in Genome Aggregation Database.;Null variant in a gene where loss of function (LOF) is a known mechanism of disease.;The prevalence of the variant in affected individuals is significantly increased compared to the prevalence in controls.

Literature cited by the submitters: PubMed 9662399 (cited by Labcorp Genetics (formerly Invitae), Labcorp); PubMed 11281458 (cited by Labcorp Genetics (formerly Invitae), Labcorp); PubMed 17525176 (cited by Labcorp Genetics (formerly Invitae), Labcorp); PubMed 22194652 (cited by Labcorp Genetics (formerly Invitae), Labcorp); PubMed 24124559 (cited by Labcorp Genetics (formerly Invitae), Labcorp); PubMed 26992781 (cited by Labcorp Genetics (formerly Invitae), Labcorp); PubMed 12552565 (cited by Labcorp Genetics (formerly Invitae), Labcorp).